The following is an entry in ClinVar:

ClinVar aggregate classification (germline): Uncertain significance (1 of 4 stars; one submission).

Conditions:
Hereditary cancer-predisposing syndrome. Also called: Neoplastic Syndromes, Hereditary; Tumor predisposition; Hereditary neoplastic syndrome; Hereditary Cancer Syndrome. Identifiers: Orphanet 140162, MedGen C0027672, MeSH D009386, MONDO:0015356.

Submission:

Ambry Genetics
Classification: Uncertain significance for Hereditary cancer-predisposing syndrome. Last evaluated: 2026-07-06. Review status: criteria provided, single submitter. Criteria: Ambry Variant Classification Scheme 2023. Collection method: clinical testing. Allele origin: germline.
Comment: The p.E906Q variant (also known as c.2716G>C), located in coding exon 11 of the MET gene, results from a G to C substitution at nucleotide position 2716. The glutamic acid at codon 906 is replaced by glutamine, an amino acid with highly similar properties. This amino acid position is conserved. In addition, the in silico prediction for this alteration is inconclusive. Based on the available evidence, the clinical significance of this variant remains unclear.

NM_000245.4(MET):c.2716G>C (p.Glu906Gln)

Gene: MET (MET proto-oncogene, receptor tyrosine kinase; plus strand). Cytogenetic location: 7q31.2.
Variant type: single nucleotide variant.
Coding change: c.2716G>C on transcript NM_000245.4 (MANE Select); coding-DNA position 2716, G replaced by C.
Protein change: p.Glu906Gln; replaces glutamic acid 906 with glutamine.
Molecular consequence: missense variant.
Genome position (GRCh38, 1-based): chr7:116,769,777, G>C. VCF-style: chr7-116769777-G-C. GRCh37 (hg19) VCF-style: chr7-116409831-G-C.
Other names: c.2770G>C, p.Glu924Gln (NM_001127500.3); c.2716G>C, p.Glu906Gln (NM_001324401.3); c.1426G>C, p.Glu476Gln (NM_001324402.2); short protein forms E906Q, E924Q, E476Q.
Identifiers: ClinVar variation 5024369 (VCV005024369.1).
Genomic context (GRCh38, chr7:116,769,777, plus strand): 5'-CACTTACATTCTGAAGCCGTTTTATGCACGGTCCCCAATGACCTGCTGAAATTGAACAGC[G>C]AGCTAAATATAGAGGTGGGATTCCTGCATTCCTCTCATGATGTAAATAAGGAAGCCAGTG-3'
Protein context (NP_000236.2, residues 896-916): VPNDLLKLNS[Glu906Gln]LNIEWKQAIS